The following is an entry in ClinVar:

ClinVar aggregate classification (germline): Benign/Likely benign. Review status: criteria provided, multiple submitters, no conflicts (2 of 4 stars). 3 submissions from 3 submitters: Benign (1); Likely benign (2). Last evaluated 2026-05-04.

Conditions:
Colorectal cancer, hereditary nonpolyposis, type 7. Identifiers: Orphanet 144, MedGen C1858380, MONDO:0013725, OMIM 614385.

Allele frequency attached by ClinVar (database versions not stated): TOPMed 0.00001; gnomAD 0.00001; gnomAD exomes 0.00009.

Submissions (3):

Myriad Genetics, Inc.
Classification: Benign for Colorectal cancer, hereditary nonpolyposis, type 7. Last evaluated: 2026-05-04. Review status: criteria provided, single submitter. Criteria: Myriad Autosomal Dominant, Autosomal Recessive and X-Linked Classification Criteria (2023). Collection method: clinical testing. Allele origin: unknown.
Comment: This variant is considered benign. This variant is a silent/synonymous amino acid change and it is not expected to impact splicing.

Labcorp Genetics (formerly Invitae), Labcorp
Classification: Likely benign for Colorectal cancer, hereditary nonpolyposis, type 7. Last evaluated: 2024-06-20. Review status: criteria provided, single submitter. Criteria: Invitae Variant Classification Sherloc (09022015). Collection method: clinical testing. Allele origin: germline.

Ambry Genetics
Classification: Likely benign. Last evaluated: 2021-07-23. Review status: criteria provided, single submitter. Criteria: Ambry Variant Classification Scheme 2023. Collection method: clinical testing. Allele origin: germline.

NM_001040108.2(MLH3):c.2358T>C (p.Val786=)

Gene: MLH3 (mutL homolog 3; minus strand). Cytogenetic location: 14q24.3.
Variant type: single nucleotide variant.
Coding change: c.2358T>C on transcript NM_001040108.2 (MANE Select); coding-DNA position 2358, T replaced by C.
Protein change: p.Val786=; no amino-acid change (valine 786 retained).
Molecular consequence: synonymous variant.
Genome position (GRCh38, 1-based): chr14:75,047,298, A>G on the plus strand (T>C on the coding strand, the complement: MLH3 is on the minus strand). VCF-style: chr14-75047298-A-G. GRCh37 (hg19) VCF-style: chr14-75514001-A-G.
Other names: c.2358T>C, p.Val786= (NM_014381.3).
Identifiers: ClinVar variation 1790107 (VCV001790107.5), dbSNP rs987438646, ClinGen allele CA263648379.